The following is an entry in ClinVar:

ClinVar aggregate classification (germline): Uncertain significance (1 of 4 stars; one submission).

Allele frequency attached by ClinVar (database versions not stated): ExAC 0.00002; gnomAD exomes 0.00002; TOPMed 0.00002; gnomAD 0.00003 and 0.00004; ESP Exome Variant Server 0.00008.
gnomAD v4.1: 17 of 1,613,808 alleles (0.0011%); highest among the groups gnomAD compares: Non-Finnish European, 0.0014%; no homozygotes.

Submission:

Labcorp Genetics (formerly Invitae), Labcorp
Classification: Uncertain significance. Last evaluated: 2025-07-14. Review status: criteria provided, single submitter. Criteria: Invitae Variant Classification Sherloc (09022015). Collection method: clinical testing. Allele origin: germline.
Comment: This sequence change replaces proline, which is neutral and non-polar, with alanine, which is neutral and non-polar, at codon 478 of the GHR protein (p.Pro478Ala). This variant is present in population databases (rs376404414, gnomAD 0.004%). This variant has not been reported in the literature in individuals affected with GHR-related conditions. ClinVar contains an entry for this variant (Variation ID: 1443331). Invitae Evidence Modeling of protein sequence and biophysical properties (such as structural, functional, and spatial information, amino acid conservation, physicochemical variation, residue mobility, and thermodynamic stability) indicates that this missense variant is not expected to disrupt GHR protein function with a negative predictive value of 80%. In summary, the available evidence is currently insufficient to determine the role of this variant in disease. Therefore, it has been classified as a Variant of Uncertain Significance.

NM_000163.5(GHR):c.1432C>G (p.Pro478Ala)

Gene: GHR (growth hormone receptor; plus strand). Cytogenetic location: 5p12.
Variant type: single nucleotide variant.
Coding change: c.1432C>G on transcript NM_000163.5 (MANE Select); coding-DNA position 1432, C replaced by G.
Protein change: p.Pro478Ala; replaces proline 478 with alanine.
Molecular consequence: missense variant. On other transcripts: 3 prime UTR variant (1).
Genome position (GRCh38, 1-based): chr5:42,718,939, C>G. VCF-style: chr5-42718939-C-G. GRCh37 (hg19) VCF-style: chr5-42719041-C-G.
Other names: c.1453C>G, p.Pro485Ala (NM_001242399.2); c.1432C>G, p.Pro478Ala (NM_001242400.2, NM_001242401.4, NM_001242402.2 and 4 more transcripts); c.1366C>G, p.Pro456Ala (NM_001242460.2); c.*474C>G (NM_001242462.1); short protein forms P478A, P456A, P485A.
Identifiers: ClinVar variation 1443331 (VCV001443331.5), dbSNP rs376404414, ClinGen allele CA3254644.